The following is an entry in ClinVar:

NM_002834.5(PTPN11):c.231G>A (p.Leu77=)

Gene: PTPN11 (protein tyrosine phosphatase non-receptor type 11; plus strand). Cytogenetic location: 12q24.13.
Variant type: single nucleotide variant.
Coding change: c.231G>A on transcript NM_002834.5 (MANE Select); coding-DNA position 231, G replaced by A.
Protein change: p.Leu77=; no amino-acid change (leucine 77 retained).
Molecular consequence: synonymous variant.
Genome position (GRCh38, 1-based): chr12:112,450,411, G>A. VCF-style: chr12-112450411-G-A. GRCh37 (hg19) VCF-style: chr12-112888215-G-A.
Other names: c.231G>A, p.Leu77= (NM_001330437.2, NM_080601.3); c.228G>A, p.Leu76= (NM_001374625.1).
Identifiers: ClinVar variation 929885 (VCV000929885.4), dbSNP rs2038063935, ClinGen allele CA481881810.

ClinVar aggregate classification (germline): Likely benign (1 of 4 stars; one submission).

Allele frequency attached by ClinVar (database versions not stated): gnomAD exomes below 0.00001.
gnomAD v4.1: 2 of 1,613,702 alleles (0.00012%); highest among the groups gnomAD compares: Non-Finnish European, 0.00017%; no homozygotes.

Submission:

Laboratory for Molecular Medicine, Mass General Brigham Personalized Medicine
Classification: Likely benign. Last evaluated: 2019-09-13. Review status: criteria provided, single submitter. Criteria: LMM Criteria. Collection method: clinical testing. Allele origin: germline. Observed: 1 variant allele.
Comment: The p.Leu77Leu variant in PTPN11 is classified as likely benign because it does not alter an amino acid residue, it is not located within the splice consensus sequence, and splice prediction algorithms do not predict a newly created splice site. ACMG/AMP Criteria applied: BP4, BP7.